The following is an entry in ClinVar:

NR_002756.2(RNU5A-1):n.38C>T

Gene: RNU5A-1 (RNA, U5A small nuclear 1; plus strand). Cytogenetic location: 15q22.31.
Variant type: single nucleotide variant.
Molecular consequence: non-coding transcript variant (on NR_002756.2).
Genome position: GRCh38 VCF-style: chr15-65296088-C-T. GRCh37 (hg19) VCF-style: chr15-65588426-C-T.
Identifiers: ClinVar variation 3770162 (VCV003770162.1).

ClinVar aggregate classification (germline): Uncertain significance (1 of 4 stars; one submission).

gnomAD v4.1: 2 of 152,176 alleles (0.0013%); highest among the groups gnomAD compares: Admixed American, 0.0065%; no homozygotes.

Submission:

Institute for Human Genetics, University Hospital Essen
Classification: Uncertain significance. Last evaluated: 2005-03-05. Review status: criteria provided, single submitter. Criteria: ACMG Guidelines, 2015. Collection method: clinical testing. Allele origin: de novo. Affected: yes.
Comment: PM2_supp, PS2